The following is an entry in ClinVar:

NM_000368.5(TSC1):c.506C>G (p.Pro169Arg)

Gene: TSC1 (TSC complex subunit 1; minus strand). Cytogenetic location: 9q34.13.
Variant type: single nucleotide variant.
Coding change: c.506C>G on transcript NM_000368.5 (MANE Select); coding-DNA position 506, C replaced by G.
Protein change: p.Pro169Arg; replaces proline 169 with arginine.
Molecular consequence: missense variant. On other transcripts: 5 prime UTR variant (5), non-coding transcript variant (5).
Genome position (GRCh38, 1-based): chr9:132,923,350, G>C on the plus strand (C>G on the coding strand, the complement: TSC1 is on the minus strand). VCF-style: chr9-132923350-G-C. GRCh37 (hg19) VCF-style: chr9-135798737-G-C.
Other names: c.506C>G, p.Pro169Arg (NM_001162426.2, NM_001406592.1, NM_001406593.1 and 16 more transcripts); c.353C>G, p.Pro118Arg (NM_001162427.2, NM_001406610.1, NM_001406611.1 and 2 more transcripts); c.143C>G, p.Pro48Arg (NM_001362177.2, NM_001406614.1, NM_001406615.1 and 10 more transcripts); c.-372C>G (NM_001406626.1, NM_001406627.1, NM_001406628.1); c.-514C>G (NM_001406629.1); c.-588C>G (NM_001406630.1); short protein forms P118R, P169R, P48R.
Identifiers: ClinVar variation 4762210 (VCV004762210.2).

ClinVar aggregate classification (germline): Uncertain significance. Review status: criteria provided, multiple submitters, no conflicts (2 of 4 stars). 2 submissions from 2 submitters: Uncertain significance (2). Last evaluated 2026-02-03.

Conditions:
Tuberous sclerosis 1 (TSC1). Identifiers: Orphanet 805, MedGen C1854465, MONDO:0008612, OMIM 191100.
Hereditary cancer-predisposing syndrome. Also called: Neoplastic Syndromes, Hereditary; Hereditary neoplastic syndrome; Tumor predisposition; Hereditary Cancer Syndrome. Identifiers: Orphanet 140162, MedGen C0027672, MeSH D009386, MONDO:0015356.

Submissions (2):

Ambry Genetics
Classification: Uncertain significance for Hereditary cancer-predisposing syndrome. Last evaluated: 2026-02-03. Review status: criteria provided, single submitter. Criteria: Ambry Variant Classification Scheme 2023. Collection method: clinical testing. Allele origin: germline.
Comment: The p.P169R variant (also known as c.506C>G), located in coding exon 4 of the TSC1 gene, results from a C to G substitution at nucleotide position 506. The proline at codon 169 is replaced by arginine, an amino acid with dissimilar properties. This amino acid position is highly conserved in available vertebrate species. In addition, this alteration is predicted to be deleterious by in silico analysis. Based on the available evidence, the clinical significance of this variant remains unclear.

Labcorp Genetics (formerly Invitae), Labcorp
Classification: Uncertain significance for Tuberous sclerosis 1. Last evaluated: 2025-05-30. Review status: criteria provided, single submitter. Criteria: Invitae Variant Classification Sherloc (09022015). Collection method: clinical testing. Allele origin: germline.
Comment: This sequence change replaces proline, which is neutral and non-polar, with arginine, which is basic and polar, at codon 169 of the TSC1 protein (p.Pro169Arg). This variant is not present in population databases (gnomAD no frequency). This variant has not been reported in the literature in individuals affected with TSC1-related conditions. Invitae Evidence Modeling of protein sequence and biophysical properties (such as structural, functional, and spatial information, amino acid conservation, physicochemical variation, residue mobility, and thermodynamic stability) has been performed for this missense variant. However, the output from this modeling did not meet the statistical confidence thresholds required to predict the impact of this variant on TSC1 protein function. In summary, the available evidence is currently insufficient to determine the role of this variant in disease. Therefore, it has been classified as a Variant of Uncertain Significance.